The following is an entry in ClinVar:

NM_005271.5(GLUD1):c.302G>C (p.Arg101Pro)

Gene: GLUD1 (glutamate dehydrogenase 1; minus strand). Cytogenetic location: 10q23.2.
Variant type: single nucleotide variant.
Coding change: c.302G>C on transcript NM_005271.5 (MANE Select); coding-DNA position 302, G replaced by C.
Protein change: p.Arg101Pro; replaces arginine 101 with proline.
Molecular consequence: missense variant. On other transcripts: 5 prime UTR variant (3).
Genome position (GRCh38, 1-based): chr10:87,094,468, C>G on the plus strand (G>C on the coding strand, the complement: GLUD1 is on the minus strand). VCF-style: chr10-87094468-C-G. GRCh37 (hg19) VCF-style: chr10-88854225-C-G.
Other names: c.-427G>C (NM_001318904.2); c.-553G>C (NM_001318905.2); c.-260G>C (NM_001318906.2); short protein forms R101P.
Identifiers: ClinVar variation 3251366 (VCV003251366.1), dbSNP rs2539925557.

ClinVar aggregate classification (germline): Uncertain significance (1 of 4 stars; one submission).

Allele frequency attached by ClinVar (database versions not stated): gnomAD exomes below 0.00001.
gnomAD v4.1: 3 of 1,613,722 alleles (0.00019%); highest among the groups gnomAD compares: Non-Finnish European, 0.00025%; no homozygotes.

Submission:

Women's Health and Genetics/Laboratory Corporation of America, LabCorp
Classification: Uncertain significance. Last evaluated: 2024-04-10. Review status: criteria provided, single submitter. Criteria: LabCorp Variant Classification Summary - May 2015. Collection method: clinical testing. Allele origin: germline.
Comment: Variant summary: GLUD1 c.302G>C (p.Arg101Pro) results in a non-conservative amino acid change in the encoded protein sequence. Three of five in-silico tools predict a damaging effect of the variant on protein function. The variant was absent in 251080 control chromosomes. The available data on variant occurrences in the general population are insufficient to allow any conclusion about variant significance. To our knowledge, no occurrence of c.302G>C in individuals affected with Congenital Hyperinsulinism and no experimental evidence demonstrating its impact on protein function have been reported. No submitters have cited clinical-significance assessments for this variant to ClinVar. Based on the evidence outlined above, the variant was classified as uncertain significance.